The following is an entry in ClinVar:

NM_001039.4(SCNN1G):c.1476A>G (p.Val492=)

Gene: SCNN1G (sodium channel epithelial 1 subunit gamma; plus strand). Cytogenetic location: 16p12.2.
Variant type: single nucleotide variant.
Coding change: c.1476A>G on transcript NM_001039.4 (MANE Select); coding-DNA position 1476, A replaced by G.
Protein change: p.Val492=; no amino-acid change (valine 492 retained).
Molecular consequence: synonymous variant.
Genome position (GRCh38, 1-based): chr16:23,213,146, A>G. VCF-style: chr16-23213146-A-G. GRCh37 (hg19) VCF-style: chr16-23224467-A-G.
Identifiers: ClinVar variation 808015 (VCV000808015.51), dbSNP rs146420892, ClinGen allele CA7959884.

ClinVar aggregate classification (germline): Conflicting classifications of pathogenicity. Review status: criteria provided, conflicting classifications (1 of 4 stars). 5 submissions from 4 submitters: Uncertain significance (2); Benign (1); Likely benign (2). Last evaluated 2025-10-13.

Conditions:
Liddle syndrome 2. Identifiers: MedGen C4748251, MONDO:0020854, OMIM 618114.
Pseudohypoaldosteronism, type IB1, autosomal recessive. Also called: Pseudohypoaldosteronism, Type I, Autosomal Recessive; PHA I, AUTOSOMAL RECESSIVE; Pseudohypoaldosteronism, Type I, Recessive; Autosomal recessive pseudohypoaldosteronism type 1. Identifiers: Orphanet 171876, Orphanet 756, MedGen C5774176, MONDO:0009917, OMIM 264350.

Allele frequency attached by ClinVar (database versions not stated): 1000 Genomes Project 30x 0.00016; 1000 Genomes Project 0.00020; gnomAD 0.00040 and 0.00043; ExAC 0.00043; ESP Exome Variant Server 0.00046; gnomAD exomes 0.00049 and 0.00072; TOPMed 0.00051.
gnomAD v4.1: 1,091 of 1,613,350 alleles (0.068%); highest among the groups gnomAD compares: Admixed American, 0.092%; 1 homozygote.

Submissions (5):

Labcorp Genetics (formerly Invitae), Labcorp
Classification: Likely benign. Last evaluated: 2025-10-13. Review status: criteria provided, single submitter. Criteria: Invitae Variant Classification Sherloc (09022015). Collection method: clinical testing. Allele origin: germline.

Blueprint Genetics
Classification: Likely benign. Last evaluated: 2024-09-03. Review status: criteria provided, single submitter. Criteria: ACMG Guidelines, 2015. Collection method: clinical testing. Allele origin: germline.

Illumina Laboratory Services, Illumina
Classification: Uncertain significance for Pseudohypoaldosteronism, type IB1, autosomal recessive. Last evaluated: 2018-01-13. Review status: criteria provided, single submitter. Criteria: ICSL Variant Classification Criteria 13 December 2019. Collection method: clinical testing. Allele origin: germline.

Illumina Laboratory Services, Illumina
Classification: Benign for Liddle syndrome 2. Last evaluated: 2018-01-13. Review status: criteria provided, single submitter. Criteria: ICSL Variant Classification Criteria 13 December 2019. Collection method: clinical testing. Allele origin: germline.
Comment: This variant was observed in the ICSL laboratory as part of a predisposition screen in an ostensibly healthy population. It had not been previously curated by ICSL or reported in the Human Gene Mutation Database (HGMD: prior to June 1st, 2018), and was therefore a candidate for classification through an automated scoring system. Utilizing variant allele frequency, disease prevalence and penetrance estimates, and inheritance mode, an automated score was calculated to assess if this variant is too frequent to cause the disease. Based on the score and internal cut-off values, a variant classified as benign is not then subjected to further curation. The score for this variant resulted in a classification of benign for this disease.

CeGaT Center for Human Genetics Tuebingen
Classification: Uncertain significance. Last evaluated: 2017-10-01. Review status: criteria provided, single submitter. Criteria: CeGaT Center For Human Genetics Tuebingen Variant Classification Criteria Version 2. Collection method: clinical testing. Allele origin: germline. Affected: yes. Observed: 1 variant allele.